The following is an entry in ClinVar:

NM_001164508.2(NEB):c.2306G>A (p.Ser769Asn)

Gene: NEB (nebulin; minus strand). Cytogenetic location: 2q23.3.
Variant type: single nucleotide variant.
Coding change: c.2306G>A on transcript NM_001164508.2 (MANE Select); coding-DNA position 2306, G replaced by A.
Protein change: p.Ser769Asn; replaces serine 769 with asparagine.
Molecular consequence: missense variant.
Genome position (GRCh38, 1-based): chr2:151,690,731, C>T on the plus strand (G>A on the coding strand, the complement: NEB is on the minus strand). VCF-style: chr2-151690731-C-T. GRCh37 (hg19) VCF-style: chr2-152547245-C-T.
Other names: c.2306G>A (NM_004543.4); c.2306G>A, p.Ser769Asn (NM_001164507.2, NM_001271208.2, NM_004543.5); short protein forms S769N.
Identifiers: ClinVar variation 1391611 (VCV001391611.6), dbSNP rs534124991, ClinGen allele CA1911273.

ClinVar aggregate classification (germline): Uncertain significance. Review status: criteria provided, multiple submitters, no conflicts (2 of 4 stars). 2 submissions from 2 submitters: Uncertain significance (2). Last evaluated 2025-09-04.

Conditions:
Inborn genetic diseases. Identifiers: MedGen C0950123, MeSH D030342.
Nemaline myopathy 2 (NEM2). Also called: Nemaline myopathy 2, autosomal recessive. Identifiers: MedGen C1850569, MONDO:0009725, OMIM 256030.

Allele frequency attached by ClinVar (database versions not stated): gnomAD 0.00001; TOPMed 0.00001; 1000 Genomes Project 30x 0.00016; 1000 Genomes Project 0.00020.

Submissions (2):

Ambry Genetics
Classification: Uncertain significance for Inborn genetic diseases. Last evaluated: 2025-09-04. Review status: criteria provided, single submitter. Criteria: Ambry Variant Classification Scheme 2023. Collection method: clinical testing. Allele origin: germline.

Labcorp Genetics (formerly Invitae), Labcorp
Classification: Uncertain significance for Nemaline myopathy 2. Last evaluated: 2022-06-20. Review status: criteria provided, single submitter. Criteria: Invitae Variant Classification Sherloc (09022015). Collection method: clinical testing. Allele origin: germline.
Comment: This sequence change replaces serine, which is neutral and polar, with asparagine, which is neutral and polar, at codon 769 of the NEB protein (p.Ser769Asn). This variant is not present in population databases (gnomAD no frequency). This missense change has been observed in individual(s) with clinical features of NEB-related conditions (Invitae). Algorithms developed to predict the effect of missense changes on protein structure and function are either unavailable or do not agree on the potential impact of this missense change (SIFT: "Deleterious"; PolyPhen-2: "Not Available"; Align-GVGD: "Class C0"). In summary, the available evidence is currently insufficient to determine the role of this variant in disease. Therefore, it has been classified as a Variant of Uncertain Significance.